The following is an entry in ClinVar:

NM_003743.5(NCOA1):c.1362C>T (p.Ala454=)

Gene: NCOA1 (nuclear receptor coactivator 1; plus strand). Cytogenetic location: 2p23.3.
Variant type: single nucleotide variant.
Coding change: c.1362C>T on transcript NM_003743.5 (MANE Select); coding-DNA position 1362, C replaced by T.
Protein change: p.Ala454=; no amino-acid change (alanine 454 retained).
Molecular consequence: synonymous variant.
Genome position (GRCh38, 1-based): chr2:24,706,832, C>T. VCF-style: chr2-24706832-C-T. GRCh37 (hg19) VCF-style: chr2-24929701-C-T.
Other names: c.1362C>T, p.Ala454= (NM_001362950.1, NM_001362952.1, NM_001362954.1 and 3 more transcripts).
Identifiers: ClinVar variation 4994015 (VCV004994015.1).

ClinVar aggregate classification (germline): Likely benign (1 of 4 stars; one submission).

Conditions:
NCOA1-related disorder. Also called: NCOA1-related condition.

Submission:

PreventionGenetics, part of Exact Sciences
Classification: Likely benign for NCOA1-related condition. Last evaluated: 2026-03-21. Review status: criteria provided, single submitter. Criteria: ACMG Guidelines, 2015. Collection method: clinical testing. Allele origin: germline.
Comment: This variant is classified as likely benign based on ACMG/AMP sequence variant interpretation guidelines (Richards et al. 2015 PMID: 25741868, with internal and published modifications).